The following is an entry in ClinVar:

ClinVar aggregate classification (germline): Uncertain significance (1 of 4 stars; one submission).

Allele frequency attached by ClinVar (database versions not stated): gnomAD exomes below 0.00001.

Submission:

Labcorp Genetics (formerly Invitae), Labcorp
Classification: Uncertain significance. Last evaluated: 2023-10-03. Review status: criteria provided, single submitter. Criteria: Invitae Variant Classification Sherloc (09022015). Collection method: clinical testing. Allele origin: germline.
Comment: This sequence change replaces phenylalanine, which is neutral and non-polar, with leucine, which is neutral and non-polar, at codon 665 of the NDUFS1 protein (p.Phe665Leu). This variant is not present in population databases (gnomAD no frequency). This variant has not been reported in the literature in individuals affected with NDUFS1-related conditions. ClinVar contains an entry for this variant (Variation ID: 2011303). An algorithm developed to predict the effect of missense changes on protein structure and function (PolyPhen-2) suggests that this variant¬†is likely to be tolerated. In summary, the available evidence is currently insufficient to determine the role of this variant in disease. Therefore, it has been classified as a Variant of Uncertain Significance.

NM_005006.7(NDUFS1):c.1995C>A (p.Phe665Leu)

Gene: NDUFS1 (NADH:ubiquinone oxidoreductase core subunit S1; minus strand). Cytogenetic location: 2q33.3.
Variant type: single nucleotide variant.
Coding change: c.1995C>A on transcript NM_005006.7 (MANE Select); coding-DNA position 1995, C replaced by A.
Protein change: p.Phe665Leu; replaces phenylalanine 665 with leucine.
Molecular consequence: missense variant.
Genome position (GRCh38, 1-based): chr2:206,126,734, G>T on the plus strand (C>A on the coding strand, the complement: NDUFS1 is on the minus strand). VCF-style: chr2-206126734-G-T. GRCh37 (hg19) VCF-style: chr2-206991458-G-T.
Other names: c.1887C>A, p.Phe629Leu (NM_001199981.2); c.1662C>A, p.Phe554Leu (NM_001199982.2); c.1824C>A, p.Phe608Leu (NM_001199983.2); c.2037C>A, p.Phe679Leu (NM_001199984.2); short protein forms F679L, F554L, F629L, F608L, F665L.
Identifiers: ClinVar variation 2011303 (VCV002011303.2), dbSNP rs2469997319, ClinGen allele CA350041729.